The following is an entry in ClinVar:

NM_022552.5(DNMT3A):c.1532dup (p.Gly512fs)

Gene: DNMT3A (DNA methyltransferase 3 alpha; minus strand). Cytogenetic location: 2p23.3.
Variant type: Duplication.
Coding change: c.1532dup on transcript NM_022552.5 (MANE Select); coding-DNA position 1532, one base duplicated (G; older notation c.1532dupG).
Protein change: p.Gly512fs; shifts the reading frame from glycine 512.
Molecular consequence: frameshift variant. On other transcripts: non-coding transcript variant (1).
Genome position (GRCh38, 1-based): chr2:25,245,275, C duplicated on the plus strand (G on the coding strand, the reverse complement: DNMT3A is on the minus strand); the first of 2 consecutive C bases (chr2:25,245,275-25,245,276); duplicating either gives the same sequence. VCF-style (leftmost placement, unchanged base first): chr2-25245274-T-TC. GRCh37 (hg19) VCF-style: chr2-25468143-T-TC.
Other names: c.1076dup, p.Gly360fs (NM_001320893.1); c.863dup, p.Gly289fs (NM_001375819.1); c.965dup, p.Gly323fs (NM_153759.3); c.1532dup, p.Gly512fs (NM_175629.2); short protein forms G512fs, G289fs, G360fs, G323fs.
Identifiers: ClinVar variation 2824426 (VCV002824426.3), dbSNP rs2465500248, ClinGen allele CA2739274154.
Genomic context (GRCh38, chr2:25,245,274, plus strand): 5'-GGCCTCAACGGCACCTCTCCTGGGTGGGTGTGCTCCTACCTTGCAGTTTTGGCACATTCC[T>TC]CCAACGAAGAGGGGGTGTTCCAGGGTAACATTGAGGCTCCCACAGGAGATGCAGATGTCT-3'

ClinVar aggregate classification (germline): Pathogenic (1 of 4 stars; one submission).

Conditions:
Tatton-Brown-Rahman overgrowth syndrome. Also called: Tall stature-intellectual disability-facial dysmorphism syndrome; Tatton-Brown-Rahman syndrome. Identifiers: Orphanet 404443, MedGen C4014545, MONDO:0014382, OMIM 615879.

Submission:

Labcorp Genetics (formerly Invitae), Labcorp
Classification: Pathogenic for Tatton-Brown-Rahman overgrowth syndrome. Last evaluated: 2023-09-25. Review status: criteria provided, single submitter. Criteria: Invitae Variant Classification Sherloc (09022015). Collection method: clinical testing. Allele origin: germline.
Comment: This sequence change creates a premature translational stop signal (p.Gly512Argfs*34) in the DNMT3A gene. It is expected to result in an absent or disrupted protein product. Loss-of-function variants in DNMT3A are known to be pathogenic (PMID: 24614070). This variant is not present in population databases (gnomAD no frequency). This variant has not been reported in the literature in individuals affected with DNMT3A-related conditions. For these reasons, this variant has been classified as Pathogenic.

Literature cited by the submitters: PubMed 24614070.